The following is an entry in ClinVar:

NM_000395.3(CSF2RB):c.577T>A (p.Ser193Thr)

Gene: CSF2RB (colony stimulating factor 2 receptor subunit beta; plus strand). Cytogenetic location: 22q12.3.
Variant type: single nucleotide variant.
Coding change: c.577T>A on transcript NM_000395.3 (MANE Select); coding-DNA position 577, T replaced by A.
Protein change: p.Ser193Thr; replaces serine 193 with threonine.
Molecular consequence: missense variant.
Genome position (GRCh38, 1-based): chr22:36,929,666, T>A. VCF-style: chr22-36929666-T-A. GRCh37 (hg19) VCF-style: chr22-37325708-T-A.
Other names: c.577T>A, p.Ser193Thr (NM_001410827.1); short protein forms S193T.
Identifiers: ClinVar variation 2807565 (VCV002807565.3), dbSNP rs781118627, ClinGen allele CA10213518.

ClinVar aggregate classification (germline): Uncertain significance (1 of 4 stars; one submission).

Allele frequency attached by ClinVar (database versions not stated): gnomAD exomes below 0.00001; TOPMed 0.00001; ExAC 0.00002; gnomAD 0.00004.
gnomAD v4.1: 7 of 1,613,926 alleles (0.00043%); highest among the groups gnomAD compares: African/African-American, 0.0093%; no homozygotes.

Submission:

Labcorp Genetics (formerly Invitae), Labcorp
Classification: Uncertain significance. Last evaluated: 2022-10-28. Review status: criteria provided, single submitter. Criteria: Invitae Variant Classification Sherloc (09022015). Collection method: clinical testing. Allele origin: germline.
Comment: This sequence change replaces serine, which is neutral and polar, with threonine, which is neutral and polar, at codon 193 of the CSF2RB protein (p.Ser193Thr). This variant is present in population databases (rs781118627, gnomAD 0.02%). This variant has not been reported in the literature in individuals affected with CSF2RB-related conditions. Advanced modeling of protein sequence and biophysical properties (such as structural, functional, and spatial information, amino acid conservation, physicochemical variation, residue mobility, and thermodynamic stability) performed at Invitae indicates that this missense variant is not expected to disrupt CSF2RB protein function. In summary, the available evidence is currently insufficient to determine the role of this variant in disease. Therefore, it has been classified as a Variant of Uncertain Significance.